The following is an entry in ClinVar:

ClinVar aggregate classification (germline): Uncertain significance (1 of 4 stars; one submission).

Conditions:
Mucopolysaccharidosis, MPS-III-C (MPS3C). Also called: SANFILIPPO SYNDROME C; MPS III C; MPS IIIC (Sanfilippo Syndrome Type C); MUCOPOLYSACCHARIDOSIS, TYPE IIIC; Mucopolysaccharidosis type IIIC (Sanfilippo C); mucopolysaccharidosis type 3C. Identifiers: Orphanet 581, Orphanet 79271, MedGen C0086649, MONDO:0009657, OMIM 252930.
Retinitis pigmentosa 73 (RP73). Identifiers: Orphanet 791, MedGen C4225287, MONDO:0014687, OMIM 616544.

Submission:

Labcorp Genetics (formerly Invitae), Labcorp
Classification: Uncertain significance for Retinitis pigmentosa 73; Mucopolysaccharidosis, MPS-III-C. Last evaluated: 2022-05-07. Review status: criteria provided, single submitter. Criteria: Invitae Variant Classification Sherloc (09022015). Collection method: clinical testing. Allele origin: germline.
Comment: This variant results in a copy number gain of the genomic region encompassing exon(s) 11-18 of the HGSNAT gene. This region includes the termination codon of the gene. This copy number gain extends beyond the assayed region for this gene and therefore may encompass additional genes. As the precise location of this event is unknown, it may be in tandem or it may be located elsewhere in the genome. This variant has not been reported in the literature in individuals affected with HGSNAT-related conditions. In summary, the available evidence is currently insufficient to determine the role of this variant in disease. Therefore, it has been classified as a Variant of Uncertain Significance.

NC_000008.10:g.(?_43037268)_(43054712_?)dup

Gene: HGSNAT (heparan-alpha-glucosaminide N-acetyltransferase; plus strand). Cytogenetic location: 8p11.21.
Variant type: Duplication.
Identifiers: ClinVar variation 1434569 (VCV001434569.4).